The following is an entry in ClinVar:

ClinVar aggregate classification (germline): Uncertain significance. Review status: criteria provided, multiple submitters, no conflicts (2 of 4 stars). 3 submissions from 3 submitters: Uncertain significance (3). Last evaluated 2025-11-15.

Conditions:
Colorectal cancer, hereditary nonpolyposis, type 7. Identifiers: Orphanet 144, MedGen C1858380, MONDO:0013725, OMIM 614385.

Allele frequency attached by ClinVar (database versions not stated): gnomAD 0.00003; gnomAD exomes 0.00003 and 0.00007; TOPMed 0.00003; ExAC 0.00004; 1000 Genomes Project 30x 0.00016; 1000 Genomes Project 0.00020.
gnomAD v4.1: 109 of 1,614,190 alleles (0.0068%); highest among the groups gnomAD compares: Non-Finnish European, 0.0084%; no homozygotes.

Submissions (3):

Labcorp Genetics (formerly Invitae), Labcorp
Classification: Uncertain significance for Colorectal cancer, hereditary nonpolyposis, type 7. Last evaluated: 2025-11-15. Review status: criteria provided, single submitter. Criteria: Invitae Variant Classification Sherloc (09022015). Collection method: clinical testing. Allele origin: germline.
Comment: This sequence change replaces threonine, which is neutral and polar, with alanine, which is neutral and non-polar, at codon 1079 of the MLH3 protein (p.Thr1079Ala). This variant is present in population databases (rs200350079, gnomAD 0.006%). This variant has not been reported in the literature in individuals affected with MLH3-related conditions. ClinVar contains an entry for this variant (Variation ID: 649468). An algorithm developed to predict the effect of missense changes on protein structure and function (PolyPhen-2) suggests that this variant is likely to be disruptive. In summary, the available evidence is currently insufficient to determine the role of this variant in disease. Therefore, it has been classified as a Variant of Uncertain Significance.

Center for Genomic Medicine, Rigshospitalet, Copenhagen University Hospital
Classification: Uncertain significance. Last evaluated: 2025-03-04. Review status: criteria provided, single submitter. Criteria: ACMG Guidelines, 2015. Collection method: clinical testing. Allele origin: germline.

Ambry Genetics
Classification: Uncertain significance. Last evaluated: 2025-01-21. Review status: criteria provided, single submitter. Criteria: Ambry Variant Classification Scheme 2023. Collection method: clinical testing. Allele origin: germline.
Comment: The p.T1079A variant (also known as c.3235A>G), located in coding exon 1 of the MLH3 gene, results from an A to G substitution at nucleotide position 3235. The threonine at codon 1079 is replaced by alanine, an amino acid with similar properties. This amino acid position is well conserved in available vertebrate species. In addition, this alteration is predicted to be tolerated by in silico analysis. Since supporting evidence is limited at this time, the clinical significance of this alteration remains unclear.

NM_001040108.2(MLH3):c.3235A>G (p.Thr1079Ala)

Gene: MLH3 (mutL homolog 3; minus strand). Cytogenetic location: 14q24.3.
Variant type: single nucleotide variant.
Coding change: c.3235A>G on transcript NM_001040108.2 (MANE Select); coding-DNA position 3235, A replaced by G.
Protein change: p.Thr1079Ala; replaces threonine 1079 with alanine.
Molecular consequence: missense variant.
Genome position (GRCh38, 1-based): chr14:75,046,421, T>C on the plus strand (A>G on the coding strand, the complement: MLH3 is on the minus strand). VCF-style: chr14-75046421-T-C. GRCh37 (hg19) VCF-style: chr14-75513124-T-C.
Other names: c.3235A>G, p.Thr1079Ala (NM_014381.3); short protein forms T1079A.
Identifiers: ClinVar variation 649468 (VCV000649468.19), dbSNP rs200350079, ClinGen allele CA7275570.
Genomic context (GRCh38, chr14:75,046,421, plus strand): 5'-ATACTACGTACTTACCATTCTCAAGTACAACATCCACAGCCACAGTTGTCAGGTCTTTAG[T>C]ACAAGCAGCCTGAATGTCCTCAGTTGGGGCAATGAATGTGCTGAGTCCAGTCATTTTGTT-3'
Protein context (NP_001035197.1, residues 1069-1089): APTEDIQAAC[Thr1079Ala]KDLTTVAVDV